The following is an entry in ClinVar:

NM_001844.5(COL2A1):c.2832C>T (p.Pro944=)

Gene: COL2A1 (collagen type II alpha 1 chain; minus strand). Cytogenetic location: 12q13.11.
Variant type: single nucleotide variant.
Coding change: c.2832C>T on transcript NM_001844.5 (MANE Select); coding-DNA position 2832, C replaced by T.
Protein change: p.Pro944=; no amino-acid change (proline 944 retained).
Molecular consequence: synonymous variant.
Genome position (GRCh38, 1-based): chr12:47,978,660, G>A on the plus strand (C>T on the coding strand, the complement: COL2A1 is on the minus strand). VCF-style: chr12-47978660-G-A. GRCh37 (hg19) VCF-style: chr12-48372443-G-A.
Other names: c.2625C>T, p.Pro875= (NM_033150.3).
Identifiers: ClinVar variation 1081975 (VCV001081975.36), dbSNP rs147592023, ClinGen allele CA6534974.

ClinVar aggregate classification (germline): Likely benign. Review status: criteria provided, multiple submitters, no conflicts (2 of 4 stars). 5 submissions from 5 submitters: Likely benign (5). Last evaluated 2026-01-16.

Allele frequency attached by ClinVar (database versions not stated): gnomAD exomes 0.00003 and 0.00004; ExAC 0.00004; TOPMed 0.00006; gnomAD 0.00007; ESP Exome Variant Server 0.00015.
gnomAD v4.1: 65 of 1,613,412 alleles (0.004%); highest among the groups gnomAD compares: Middle Eastern, 0.017%; no homozygotes.

Submissions (5):

Women's Health and Genetics/Laboratory Corporation of America, LabCorp
Classification: Likely benign. Last evaluated: 2026-01-16. Review status: criteria provided, single submitter. Criteria: LabCorp Variant Classification Summary - May 2015. Collection method: clinical testing. Allele origin: germline.

Labcorp Genetics (formerly Invitae), Labcorp
Classification: Likely benign. Last evaluated: 2025-12-29. Review status: criteria provided, single submitter. Criteria: Invitae Variant Classification Sherloc (09022015). Collection method: clinical testing. Allele origin: germline.

Blueprint Genetics
Classification: Likely benign. Last evaluated: 2024-07-18. Review status: criteria provided, single submitter. Criteria: ACMG Guidelines, 2015. Collection method: clinical testing. Allele origin: germline.

CeGaT Center for Human Genetics Tuebingen
Classification: Likely benign. Last evaluated: 2022-03-01. Review status: criteria provided, single submitter. Criteria: CeGaT Center For Human Genetics Tuebingen Variant Classification Criteria Version 2. Collection method: clinical testing. Allele origin: germline. Affected: yes. Observed: 1 variant allele.
Comment: COL2A1: BP4, BP7

GeneDx
Classification: Likely benign. Last evaluated: 2020-09-30. Review status: criteria provided, single submitter. Criteria: GeneDx Variant Classification Process June 2021. Collection method: clinical testing. Allele origin: germline. Affected: yes.